The following is an entry in ClinVar:

NM_001364905.1(LRBA):c.3782G>T (p.Ser1261Ile)

Gene: LRBA (LPS responsive beige-like anchor protein; minus strand). Cytogenetic location: 4q31.3.
Variant type: single nucleotide variant.
Coding change: c.3782G>T on transcript NM_001364905.1 (MANE Select); coding-DNA position 3782, G replaced by T.
Protein change: p.Ser1261Ile; replaces serine 1261 with isoleucine.
Molecular consequence: missense variant.
Genome position (GRCh38, 1-based): chr4:150,851,928, C>A on the plus strand (G>T on the coding strand, the complement: LRBA is on the minus strand). VCF-style: chr4-150851928-C-A. GRCh37 (hg19) VCF-style: chr4-151773080-C-A.
Other names: c.3782G>T, p.Ser1261Ile (NM_001199282.3, NM_001367550.1, NM_006726.5); short protein forms S1261I.
Identifiers: ClinVar variation 2789616 (VCV002789616.3), dbSNP rs767343869, ClinGen allele CA358456303.

ClinVar aggregate classification (germline): Uncertain significance (1 of 4 stars; one submission).

Conditions:
Combined immunodeficiency due to LRBA deficiency. Also called: Common variable immunodeficiency 8, with autoimmunity. Identifiers: Orphanet 445018, MedGen C3553512, MONDO:0013863, OMIM 614700.

Submission:

Labcorp Genetics (formerly Invitae), Labcorp
Classification: Uncertain significance for Combined immunodeficiency due to LRBA deficiency. Last evaluated: 2022-12-28. Review status: criteria provided, single submitter. Criteria: Invitae Variant Classification Sherloc (09022015). Collection method: clinical testing. Allele origin: germline.
Comment: In summary, the available evidence is currently insufficient to determine the role of this variant in disease. Therefore, it has been classified as a Variant of Uncertain Significance. Algorithms developed to predict the effect of missense changes on protein structure and function (SIFT, PolyPhen-2, Align-GVGD) all suggest that this variant is likely to be tolerated. This variant has not been reported in the literature in individuals affected with LRBA-related conditions. This variant is not present in population databases (gnomAD no frequency). This sequence change replaces serine, which is neutral and polar, with isoleucine, which is neutral and non-polar, at codon 1261 of the LRBA protein (p.Ser1261Ile).